The following is an entry in ClinVar:

ClinVar aggregate classification (germline): Conflicting classifications of pathogenicity. Review status: criteria provided, conflicting classifications (1 of 4 stars). 22 submissions from 18 submitters: Uncertain significance (1); Benign (14); Likely benign (6). 1 of the submissions does not count toward it. Last evaluated 2026-09-01.

Conditions:
Ventricular tachycardia. Identifiers: MedGen C0042514, MONDO:0005477, HP:0004756.
Cardiomyopathy (CMYO). Also called: Cardiomyopathies. Identifiers: Orphanet 167848, MedGen C0878544, MONDO:0004994, HP:0001638. Inheritance: Various modes of inheritance.
Dilated cardiomyopathy 1G (CMD1G). Identifiers: Orphanet 154, MedGen C1858763, MONDO:0011400, OMIM 604145.
Autosomal recessive limb-girdle muscular dystrophy type 2J (LGMDR10). Also called: MUSCULAR DYSTROPHY, LIMB-GIRDLE, AUTOSOMAL RECESSIVE 10; Limb-girdle muscular dystrophy, type 2J. Identifiers: Orphanet 140922, MedGen C1837342, MONDO:0012127, OMIM 608807.
Cardiovascular phenotype. Identifiers: MedGen CN230736.
Myopathy, myofibrillar, 9, with early respiratory failure (MFM9). Also called: Myopathy, distal, with early respiratory failure, autosomal dominant; Hereditary myopathy with early respiratory failure; MYOPATHY, PROXIMAL, WITH EARLY RESPIRATORY MUSCLE INVOLVEMENT; EDSTROM MYOPATHY. Identifiers: Orphanet 178464, Orphanet 34521, MedGen C1863599, MONDO:0011362, OMIM 603689.
Early-onset myopathy with fatal cardiomyopathy (CMYO5). Also called: CONGENITAL MYOPATHY 5 WITH CARDIOMYOPATHY; Salih Myopathy. Identifiers: Orphanet 289377, MedGen C2673677, MONDO:0012714, OMIM 611705. Disease mechanism: loss of function.
Tibial muscular dystrophy (TMD). Also called: Udd Distal Myopathy – Tibial Muscular Dystrophy; Tibial muscular dystrophy, tardive; UDD MYOPATHY. Identifiers: Orphanet 609, MedGen C1838244, MONDO:0010870, OMIM 600334.

Allele frequency attached by ClinVar (database versions not stated): 1000 Genomes Project 30x 0.00406; ExAC 0.00682; ESP Exome Variant Server 0.00780; 1000 Genomes Project 0.00459; gnomAD exomes 0.00720 and 0.01033; gnomAD 0.00774 and 0.00755; TOPMed 0.00793.
gnomAD v4.1: 16,124 of 1,608,876 alleles (1%); highest among the groups gnomAD compares: Admixed American, 1.2%; 112 homozygotes.

Submissions (22):

CeGaT Center for Human Genetics Tuebingen
Classification: Benign. Last evaluated: 2026-09-01. Review status: criteria provided, single submitter. Criteria: CeGaT Center For Human Genetics Tuebingen Variant Classification Criteria Version 2. Collection method: clinical testing. Allele origin: germline. Affected: yes. Observed: 115 variant alleles.
Comment: TTN: BP4, BS1, BS2

Labcorp Genetics (formerly Invitae), Labcorp
Classification: Benign for Dilated cardiomyopathy 1G; Autosomal recessive limb-girdle muscular dystrophy type 2J. Last evaluated: 2026-02-04. Review status: criteria provided, single submitter. Criteria: Invitae Variant Classification Sherloc (09022015). Collection method: clinical testing. Allele origin: germline.

ARUP Laboratories, Molecular Genetics and Genomics, ARUP Laboratories
Classification: Benign. Last evaluated: 2025-07-28. Review status: criteria provided, single submitter. Criteria: ARUP Molecular Germline Variant Investigation Process 2024. Collection method: clinical testing. Allele origin: germline.

Molecular Diagnostic Laboratory for Inherited Cardiovascular Disease, Montreal Heart Institute
Classification: Likely benign. Last evaluated: 2025-04-09. Review status: criteria provided, single submitter. Criteria: ACMG Guidelines, 2015. Collection method: clinical testing. Allele origin: germline. Affected: no.

Blueprint Genetics
Classification: Likely benign. Last evaluated: 2024-11-21. Review status: criteria provided, single submitter. Criteria: ACMG Guidelines, 2015. Collection method: clinical testing. Allele origin: germline.

Women's Health and Genetics/Laboratory Corporation of America, LabCorp
Classification: Likely benign. Last evaluated: 2024-03-11. Review status: criteria provided, single submitter. Criteria: LabCorp Variant Classification Summary - May 2015. Collection method: clinical testing. Allele origin: germline.

Center for Advanced Laboratory Medicine, UC San Diego Health, University of California San Diego
Classification: Benign for Ventricular tachycardia; Cardiomyopathy. Last evaluated: 2019-05-08. Review status: criteria provided, single submitter. Criteria: ACMG Guidelines, 2015. Collection method: clinical testing. Allele origin: germline. Affected: yes. Observed: 4 variant alleles.

Athena Diagnostics
Classification: Benign. Last evaluated: 2019-04-26. Review status: criteria provided, single submitter. Criteria: Athena Diagnostics Criteria. Collection method: clinical testing. Allele origin: germline.

CHEO Genetics Diagnostic Laboratory, Children's Hospital of Eastern Ontario
Classification: Benign for Cardiomyopathy. Last evaluated: 2018-01-26. Review status: criteria provided, single submitter. Criteria: ACMG Guidelines, 2015. Collection method: clinical testing. Allele origin: germline.

Illumina Laboratory Services, Illumina
Classification: Uncertain significance for Autosomal recessive limb-girdle muscular dystrophy type 2J. Last evaluated: 2018-01-13. Review status: criteria provided, single submitter. Criteria: ICSL Variant Classification Criteria 13 December 2019. Collection method: clinical testing. Allele origin: germline.

Illumina Laboratory Services, Illumina
Classification: Likely benign for Dilated cardiomyopathy 1G. Last evaluated: 2018-01-13. Review status: criteria provided, single submitter. Criteria: ICSL Variant Classification Criteria 13 December 2019. Collection method: clinical testing. Allele origin: germline.
Comment: This variant was observed in the ICSL laboratory as part of a predisposition screen in an ostensibly healthy population. It had not been previously curated by ICSL or reported in the Human Gene Mutation Database (HGMD: prior to June 1st, 2018), and was therefore a candidate for classification through an automated scoring system. Utilizing variant allele frequency, disease prevalence and penetrance estimates, and inheritance mode, an automated score was calculated to assess if this variant is too frequent to cause the disease. Based on the score and internal cut-off values, a variant classified as likely benign is not then subjected to further curation. The score for this variant resulted in a classification of likely benign for this disease.

Illumina Laboratory Services, Illumina
Classification: Benign for Tibial muscular dystrophy. Last evaluated: 2018-01-13. Review status: criteria provided, single submitter. Criteria: ICSL Variant Classification Criteria 13 December 2019. Collection method: clinical testing. Allele origin: germline.
Comment: This variant was observed in the ICSL laboratory as part of a predisposition screen in an ostensibly healthy population. It had not been previously curated by ICSL or reported in the Human Gene Mutation Database (HGMD: prior to June 1st, 2018), and was therefore a candidate for classification through an automated scoring system. Utilizing variant allele frequency, disease prevalence and penetrance estimates, and inheritance mode, an automated score was calculated to assess if this variant is too frequent to cause the disease. Based on the score and internal cut-off values, a variant classified as benign is not then subjected to further curation. The score for this variant resulted in a classification of benign for this disease.

Illumina Laboratory Services, Illumina
Classification: Benign for Myopathy, myofibrillar, 9, with early respiratory failure. Last evaluated: 2018-01-13. Review status: criteria provided, single submitter. Criteria: ICSL Variant Classification Criteria 13 December 2019. Collection method: clinical testing. Allele origin: germline.
Comment: the same text as in the submission from Illumina Laboratory Services, Illumina above.

Illumina Laboratory Services, Illumina
Classification: Likely benign for Early-onset myopathy with fatal cardiomyopathy. Last evaluated: 2018-01-13. Review status: criteria provided, single submitter. Criteria: ICSL Variant Classification Criteria 13 December 2019. Collection method: clinical testing. Allele origin: germline.
Comment: the same text as in the submission from Illumina Laboratory Services, Illumina above.

Mayo Clinic Laboratories, Mayo Clinic
Classification: Benign. Last evaluated: 2017-12-19. Review status: criteria provided, single submitter. Criteria: ACMG Guidelines, 2015. Collection method: clinical testing. Allele origin: germline. Observed: 40 variant alleles.

Eurofins Ntd Llc (ga)
Classification: Benign. Last evaluated: 2016-05-11. Review status: criteria provided, single submitter. Criteria: EGL Classification Definitions 2015. Collection method: clinical testing. Allele origin: germline. Observed: 1 variant allele, 1 heterozygote.

GeneDx
Classification: Benign. Last evaluated: 2014-02-12. Review status: criteria provided, single submitter. Criteria: GeneDx Variant Classification (06012015). Collection method: clinical testing. Allele origin: germline. Affected: yes.
Comment: This variant is considered likely benign or benign based on one or more of the following criteria: it is a conservative change, it occurs at a poorly conserved position in the protein, it is predicted to be benign by multiple in silico algorithms, and/or has population frequency not consistent with disease.

Biesecker Lab/Clinical Genomics Section, National Institutes of Health
Classification: Benign. Last evaluated: 2013-06-24. Review status: criteria provided, single submitter. Criteria: Ng et al. (Circ Cardiovasc Genet. 2013). Collection method: research. Allele origin: unknown. Observed: 10 variant alleles. Study: ClinSeq.
Comment: The study set was not selected for affection status in relation to any cancer. Pathogenicity categories were based on literature curation. See Pubmed ID:23861362 for details.

Medical sequencing

Ambry Genetics
Classification: Benign for Cardiovascular phenotype. Last evaluated: 2012-08-08. Review status: criteria provided, single submitter. Criteria: Ambry Autosomal Dominant and X-Linked criteria (10/2015). Collection method: clinical testing. Allele origin: germline. Observed: 1 variant allele.

Laboratory for Molecular Medicine, Mass General Brigham Personalized Medicine
Classification: Benign. Last evaluated: 2012-08-02. Review status: criteria provided, single submitter. Criteria: LMM Criteria. Collection method: clinical testing. Allele origin: germline. Observed: 32 variant alleles.
Comment: Gln31354His in exon 307 of TTN: This variant is not expected to have clinical si gnificance because it has been identified in 1% (85/6612 chromosomes) of Europea n American chromosomes from a broad population by the NHBLI Exome Sequencing Pro ject (dbSNP rs55886356).

PreventionGenetics, part of Exact Sciences
Classification: Likely benign. Review status: criteria provided, single submitter. Criteria: ACMG Guidelines, 2015. Collection method: clinical testing. Allele origin: germline.

Genetic Services Laboratory, University of Chicago
Classification: Likely benign for AllHighlyPenetrant. Review status: no assertion criteria provided. Collection method: clinical testing. Allele origin: germline. Not counted in ClinVar's aggregate classification.
Comment: Likely benign based on allele frequency in 1000 Genomes Project or ESP global frequency and its presence in a patient with a rare or unrelated disease phenotype. NOT Sanger confirmed.

Literature cited by the submitters: PubMed 25163546 (cited by Athena Diagnostics); PubMed 29221435 (cited by Athena Diagnostics); PubMed 23675308 (cited by Athena Diagnostics).

NM_001267550.2(TTN):c.101766G>C (p.Gln33922His)

Genes: TTN (titin; minus strand), TTN-AS1 (TTN antisense RNA 1; plus strand). Cytogenetic location: 2q31.2.
Variant type: single nucleotide variant.
Coding change: c.101766G>C on transcript NM_001267550.2 (MANE Select); coding-DNA position 101766, G replaced by C.
Protein change: p.Gln33922His; replaces glutamine 33922 with histidine.
Molecular consequence: missense variant.
Genome position (GRCh38, 1-based): chr2:178,534,849, C>G on the plus strand (G>C on the coding strand, the complement: TTN is on the minus strand). VCF-style: chr2-178534849-C-G. GRCh37 (hg19) VCF-style: chr2-179399576-C-G.
Other names: p.Q32281H:CAG>CAC; c.96843G>C, p.Gln32281His (NM_001256850.1); c.74571G>C, p.Gln24857His (NM_003319.4); c.94062G>C, p.Gln31354His (NM_133378.4); c.74946G>C, p.Gln24982His (NM_133432.3); c.75147G>C, p.Gln25049His (NM_133437.4); short protein forms Q33922H, Q31354H, Q32281H, Q24982H, Q25049H, Q24857H.
Identifiers: ClinVar variation 47641 (VCV000047641.75), dbSNP rs55886356, ClinGen allele CA284242.